The following is an entry in ClinVar:

NM_001349206.2(LPIN1):c.2087G>A (p.Arg696His)

Gene: LPIN1 (lipin 1; plus strand). Cytogenetic location: 2p25.1.
Variant type: single nucleotide variant.
Coding change: c.2087G>A on transcript NM_001349206.2 (MANE Select); coding-DNA position 2087, G replaced by A.
Protein change: p.Arg696His; replaces arginine 696 with histidine.
Molecular consequence: missense variant. On other transcripts: non-coding transcript variant (1).
Genome position (GRCh38, 1-based): chr2:11,804,496, G>A. VCF-style: chr2-11804496-G-A. GRCh37 (hg19) VCF-style: chr2-11944622-G-A.
Other names: c.1997G>A, p.Arg666His (NM_001261427.3); c.2234G>A, p.Arg745His (NM_001261428.3); c.1979G>A, p.Arg660His (NM_001349199.2, NM_145693.4); c.2057G>A, p.Arg686His (NM_001349200.2, NM_001349201.2); c.2084G>A, p.Arg695His (NM_001349202.2, NM_001349203.2); c.2087G>A, p.Arg696His (NM_001349204.2, NM_001349205.2); c.2177G>A, p.Arg726His (NM_001349207.2); c.2126G>A, p.Arg709His (NM_001349208.2); and 1 more; short protein forms R660H, R726H, R695H, R666H, R696H, R686H, R709H, R745H.
Identifiers: ClinVar variation 2153071 (VCV002153071.2), dbSNP rs745398954, ClinGen allele CA1533992.

ClinVar aggregate classification (germline): Uncertain significance. Review status: criteria provided, multiple submitters, no conflicts (2 of 4 stars). 2 submissions from 2 submitters: Uncertain significance (2). Last evaluated 2025-03-27.

Conditions:
Inborn genetic diseases. Identifiers: MedGen C0950123, MeSH D030342.

Allele frequency attached by ClinVar (database versions not stated): gnomAD 0.00001.
gnomAD v4.1: 24 of 1,613,982 alleles (0.0015%); highest among the groups gnomAD compares: East Asian, 0.018%; no homozygotes.

Submissions (2):

Ambry Genetics
Classification: Uncertain significance for Inborn genetic diseases. Last evaluated: 2025-03-27. Review status: criteria provided, single submitter. Criteria: Ambry Variant Classification Scheme 2023. Collection method: clinical testing. Allele origin: germline.

Labcorp Genetics (formerly Invitae), Labcorp
Classification: Uncertain significance. Last evaluated: 2022-04-12. Review status: criteria provided, single submitter. Criteria: Invitae Variant Classification Sherloc (09022015). Collection method: clinical testing. Allele origin: germline.
Comment: This sequence change replaces arginine, which is basic and polar, with histidine, which is basic and polar, at codon 660 of the LPIN1 protein (p.Arg660His). This variant is present in population databases (rs745398954, gnomAD 0.02%). This variant has not been reported in the literature in individuals affected with LPIN1-related conditions. Algorithms developed to predict the effect of missense changes on protein structure and function are either unavailable or do not agree on the potential impact of this missense change (SIFT: "Tolerated"; PolyPhen-2: "Probably Damaging"; Align-GVGD: "Class C0"). In summary, the available evidence is currently insufficient to determine the role of this variant in disease. Therefore, it has been classified as a Variant of Uncertain Significance.